The following is an entry in ClinVar:

NM_018706.7(DHTKD1):c.736C>T (p.Arg246Ter)

Gene: DHTKD1 (dehydrogenase E1 and transketolase domain containing 1; plus strand). Cytogenetic location: 10p14.
Variant type: single nucleotide variant.
Coding change: c.736C>T on transcript NM_018706.7 (MANE Select); coding-DNA position 736, C replaced by T.
Protein change: p.Arg246Ter; replaces arginine 246 with a stop codon.
Molecular consequence: nonsense.
Genome position (GRCh38, 1-based): chr10:12,089,004, C>T. VCF-style: chr10-12089004-C-T. GRCh37 (hg19) VCF-style: chr10-12131003-C-T.
Other names: short protein forms R246*.
Identifiers: ClinVar variation 2909924 (VCV002909924.4), dbSNP rs780313786, ClinGen allele CA376018398.

ClinVar aggregate classification (germline): Pathogenic (1 of 4 stars; one submission).

Conditions:
2-aminoadipic 2-oxoadipic aciduria (AAKAD). Also called: Aminoadipic aciduria; ALPHA-AMINOADIPIC AND ALPHA-KETOADIPIC ACIDURIA. Identifiers: Orphanet 79154, MedGen C1859817, MONDO:0008774, OMIM 204750.

gnomAD v4.1: 6 of 1,613,436 alleles (0.00037%); highest among the groups gnomAD compares: African/African-American, 0.0027%; no homozygotes.

Submissions (2):

Labcorp Genetics (formerly Invitae), Labcorp
Classification: Pathogenic for 2-aminoadipic 2-oxoadipic aciduria. Last evaluated: 2025-11-21. Review status: criteria provided, single submitter. Criteria: Invitae Variant Classification Sherloc (09022015). Collection method: clinical testing. Allele origin: germline.
Comment: This sequence change creates a premature translational stop signal (p.Arg246*) in the DHTKD1 gene. It is expected to result in an absent or disrupted protein product. Loss-of-function variants in DHTKD1 are known to be pathogenic (PMID: 23141293, 25860818). This variant is not present in population databases (gnomAD no frequency). This variant has not been reported in the literature in individuals affected with DHTKD1-related conditions. ClinVar contains an entry for this variant (Variation ID: 2909924). For these reasons, this variant has been classified as Pathogenic.

Dr. Peter K. Rogan Lab, Western University
No classification provided (evidence only). Condition: Glioma susceptibility 1. Review status: no classification provided. Collection method: in vitro. Allele origin: not applicable. Functional consequence: retained intron. Not counted in ClinVar's aggregate classification.

Literature cited by the submitters: PubMed 23141293 (cited by Labcorp Genetics (formerly Invitae), Labcorp); PubMed 25860818 (cited by Labcorp Genetics (formerly Invitae), Labcorp).